The following is an entry in ClinVar:

ClinVar aggregate classification (germline): Uncertain significance. Review status: criteria provided, multiple submitters, no conflicts (2 of 4 stars). 2 submissions from 2 submitters: Uncertain significance (2). Last evaluated 2023-10-25.

Conditions:
Hereditary cancer-predisposing syndrome. Also called: Neoplastic Syndromes, Hereditary; Tumor predisposition; Hereditary Cancer Syndrome; Hereditary neoplastic syndrome. Identifiers: Orphanet 140162, MedGen C0027672, MeSH D009386, MONDO:0015356.
Ataxia-telangiectasia syndrome (AT). Also called: ATAXIA-TELANGIECTASIA, COMPLEMENTATION GROUP A; ATAXIA-TELANGIECTASIA, FRESNO VARIANT; Ataxia-telangiectasia; Ataxia-telangiectasia, complementation group D; AT, COMPLEMENTATION GROUP C; Ataxia-telangiectasia, complementation group E. Identifiers: Orphanet 100, MedGen C0004135, MONDO:0008840, OMIM 208900.

Submissions (2):

Ambry Genetics
Classification: Uncertain significance for Hereditary cancer-predisposing syndrome. Last evaluated: 2023-10-25. Review status: criteria provided, single submitter. Criteria: Ambry Variant Classification Scheme 2023. Collection method: clinical testing. Allele origin: germline.
Comment: The p.S1250Y variant (also known as c.3749C>A), located in coding exon 25 of the ATM gene, results from a C to A substitution at nucleotide position 3749. The serine at codon 1250 is replaced by tyrosine, an amino acid with dissimilar properties. This amino acid position is conserved. In addition, this alteration is predicted to be deleterious by in silico analysis. Since supporting evidence is limited at this time, the clinical significance of this alteration remains unclear.

Labcorp Genetics (formerly Invitae), Labcorp
Classification: Uncertain significance for Ataxia-telangiectasia syndrome. Last evaluated: 2023-08-09. Review status: criteria provided, single submitter. Criteria: Invitae Variant Classification Sherloc (09022015). Collection method: clinical testing. Allele origin: germline.
Comment: In summary, the available evidence is currently insufficient to determine the role of this variant in disease. Therefore, it has been classified as a Variant of Uncertain Significance. An algorithm developed to predict the effect of missense changes on protein structure and function (PolyPhen-2) suggests that this variant is likely to be disruptive. ClinVar contains an entry for this variant (Variation ID: 524229). This variant has not been reported in the literature in individuals affected with ATM-related conditions. This variant is not present in population databases (gnomAD no frequency). This sequence change replaces serine, which is neutral and polar, with tyrosine, which is neutral and polar, at codon 1250 of the ATM protein (p.Ser1250Tyr).

NM_000051.4(ATM):c.3749C>A (p.Ser1250Tyr)

Gene: ATM (ATM serine/threonine kinase; plus strand). Cytogenetic location: 11q22.3.
Variant type: single nucleotide variant.
Coding change: c.3749C>A on transcript NM_000051.4 (MANE Select); coding-DNA position 3749, C replaced by A.
Protein change: p.Ser1250Tyr; replaces serine 1250 with tyrosine.
Molecular consequence: missense variant.
Genome position (GRCh38, 1-based): chr11:108,284,229, C>A. VCF-style: chr11-108284229-C-A. GRCh37 (hg19) VCF-style: chr11-108154956-C-A.
Other names: c.3749C>A, p.Ser1250Tyr (NM_001351834.2); short protein forms S1250Y.
Identifiers: ClinVar variation 524229 (VCV000524229.8), dbSNP rs1555093273, ClinGen allele CA382524188.